The following is an entry in ClinVar:

NM_005560.6(LAMA5):c.1502C>T (p.Thr501Ile)

Gene: LAMA5 (laminin subunit alpha 5; minus strand). Cytogenetic location: 20q13.33.
Variant type: single nucleotide variant.
Coding change: c.1502C>T on transcript NM_005560.6 (MANE Select); coding-DNA position 1502, C replaced by T.
Protein change: p.Thr501Ile; replaces threonine 501 with isoleucine.
Molecular consequence: missense variant.
Genome position (GRCh38, 1-based): chr20:62,338,584, G>A on the plus strand (C>T on the coding strand, the complement: LAMA5 is on the minus strand). VCF-style: chr20-62338584-G-A. GRCh37 (hg19) VCF-style: chr20-60913640-G-A.
Other names: short protein forms T501I.
Identifiers: ClinVar variation 3900229 (VCV003900229.1).

ClinVar aggregate classification (germline): Uncertain significance (1 of 4 stars; one submission).

Submission:

GeneDx
Classification: Uncertain significance. Last evaluated: 2024-11-25. Review status: criteria provided, single submitter. Criteria: GeneDx Variant Classification Process June 2021. Collection method: clinical testing. Allele origin: germline. Affected: yes.
Comment: Not observed at significant frequency in large population cohorts (gnomAD); In silico analysis supports that this missense variant has a deleterious effect on protein structure/function; Has not been previously published as pathogenic or benign to our knowledge